The following is an entry in ClinVar:

NM_003482.4(KMT2D):c.15104G>A (p.Cys5035Tyr)

Gene: KMT2D (lysine methyltransferase 2D; minus strand). Cytogenetic location: 12q13.12.
Variant type: single nucleotide variant.
Coding change: c.15104G>A on transcript NM_003482.4 (MANE Select); coding-DNA position 15104, G replaced by A.
Protein change: p.Cys5035Tyr; replaces cysteine 5035 with tyrosine.
Molecular consequence: missense variant.
Genome position (GRCh38, 1-based): chr12:49,026,862, C>T on the plus strand (G>A on the coding strand, the complement: KMT2D is on the minus strand). VCF-style: chr12-49026862-C-T. GRCh37 (hg19) VCF-style: chr12-49420645-C-T.
Other names: short protein forms C5035Y.
Identifiers: ClinVar variation 1320116 (VCV001320116.1), dbSNP rs398123723, ClinGen allele CA384689938.

ClinVar aggregate classification (germline): Pathogenic (1 of 4 stars; one submission).

Conditions:
Kabuki syndrome 1 (KABUK1). Also called: KMT2D-Related Kabuki Syndrome. Identifiers: Orphanet 2322, MedGen CN030661, MONDO:0007843, OMIM 147920.

Submission:

3billion
Classification: Pathogenic for Kabuki syndrome 1. Last evaluated: 2021-10-02. Review status: criteria provided, single submitter. Criteria: ACMG Guidelines, 2015. Collection method: clinical testing. Allele origin: germline. Affected: yes. Observed: 1 heterozygote.
Comment: The missense variant is located in a mutational hot spot and/or well-established functional domain in which established pathogenic variants have been reported (PM1). It is not observed in the gnomAD v2.1.1 dataset (PM2). A different missense change at the same codon (p.Cys5035Ser) has been reported as pathogenic (VCV000094179.2 PM5). The variant was observed as assumed (i.e. paternity and maternity not confirmed) de novoo (3billion dataset, PM6). In silico tool predictions suggest damaging effect of the variant on gene or gene product (REVEL: 0.902, 3Cnet: 0.953, PP3). Patient’s phenotype is considered as compatible with Kabuki syndrome 1 (PP4_P).Therefore, this variant is classified as pathogenic according to the recommendation of ACMG/AMP guideline.